The following is an entry in ClinVar:

ClinVar aggregate classification (germline): Uncertain significance. Review status: criteria provided, multiple submitters, no conflicts (2 of 4 stars). 2 submissions from 2 submitters: Uncertain significance (2). Last evaluated 2025-01-14.

Conditions:
Hereditary cancer-predisposing syndrome. Also called: Neoplastic Syndromes, Hereditary; Tumor predisposition; Hereditary Cancer Syndrome; Hereditary neoplastic syndrome. Identifiers: Orphanet 140162, MedGen C0027672, MeSH D009386, MONDO:0015356.

Submissions (2):

Dasa
Classification: Uncertain significance. Last evaluated: 2025-01-14. Review status: criteria provided, single submitter. Criteria: DASA Assertion Criteria. Collection method: clinical testing. Allele origin: germline.
Comment: NM_000368.5(TSC1):c.454C>T (p.Leu152Phe) is a missense variant that results in the substitution of leucine with phenylalanine. This variant is absent from population databases. Computational prediction algorithms are consistent with a benign effect. The currently available literature and clinical evidence are not sufficient to establish a definitive association between this variant and the reported condition. Therefore, this variant is classified as a variant of uncertain significance.

Ambry Genetics
Classification: Uncertain significance for Hereditary cancer-predisposing syndrome. Last evaluated: 2021-10-28. Review status: criteria provided, single submitter. Criteria: Ambry Variant Classification Scheme 2023. Collection method: clinical testing. Allele origin: germline.
Comment: The p.L152F variant (also known as c.454C>T), located in coding exon 4 of the TSC1 gene, results from a C to T substitution at nucleotide position 454. The leucine at codon 152 is replaced by phenylalanine, an amino acid with highly similar properties. This amino acid position is poorly conserved in available vertebrate species. In addition, the in silico prediction for this alteration is inconclusive. Since supporting evidence is limited at this time, the clinical significance of this alteration remains unclear.

NM_000368.5(TSC1):c.454C>T (p.Leu152Phe)

Gene: TSC1 (TSC complex subunit 1; minus strand). Cytogenetic location: 9q34.13.
Variant type: single nucleotide variant.
Coding change: c.454C>T on transcript NM_000368.5 (MANE Select); coding-DNA position 454, C replaced by T.
Protein change: p.Leu152Phe; replaces leucine 152 with phenylalanine.
Molecular consequence: missense variant.
Genome position (GRCh38, 1-based): chr9:132,923,402, G>A on the plus strand (C>T on the coding strand, the complement: TSC1 is on the minus strand). VCF-style: chr9-132923402-G-A. GRCh37 (hg19) VCF-style: chr9-135798789-G-A.
Other names: c.454C>T, p.Leu152Phe (NM_001162426.2, NM_001406592.1, NM_001406593.1 and 16 more transcripts); c.301C>T, p.Leu101Phe (NM_001162427.2, NM_001406610.1, NM_001406611.1 and 2 more transcripts); c.91C>T, p.Leu31Phe (NM_001362177.2, NM_001406614.1, NM_001406615.1 and 10 more transcripts); c.-424C>T (NM_001406626.1, NM_001406627.1, NM_001406628.1); c.-566C>T (NM_001406629.1); c.-640C>T (NM_001406630.1); short protein forms L152F, L31F, L101F.
Identifiers: ClinVar variation 1741415 (VCV001741415.4), dbSNP rs2132189149, ClinGen allele CA375373351.